The following is an entry in ClinVar:

ClinVar aggregate classification (germline): Uncertain significance. Review status: criteria provided, multiple submitters, no conflicts (2 of 4 stars). 5 submissions from 5 submitters: Uncertain significance (5). Last evaluated 2026-01-14.

Conditions:
Endometrial carcinoma. Also called: Endometrial carcinoma, somatic. Identifiers: MedGen C0476089, MONDO:0002447, OMIM 608089, HP:0012114.
MSH3-related disorder. Also called: MSH3-related condition.
Hereditary cancer-predisposing syndrome. Also called: Tumor predisposition; Hereditary neoplastic syndrome; Hereditary Cancer Syndrome; Neoplastic Syndromes, Hereditary. Identifiers: Orphanet 140162, MedGen C0027672, MeSH D009386, MONDO:0015356.

Allele frequency attached by ClinVar (database versions not stated): gnomAD exomes below 0.00001; TOPMed below 0.00001; gnomAD 0.00001.
gnomAD v4.1: 3 of 1,614,000 alleles (0.00019%); highest among the groups gnomAD compares: Admixed American, 0.0033%; no homozygotes.

Submissions (5):

Labcorp Genetics (formerly Invitae), Labcorp
Classification: Uncertain significance. Last evaluated: 2026-01-14. Review status: criteria provided, single submitter. Criteria: Invitae Variant Classification Sherloc (09022015). Collection method: clinical testing. Allele origin: germline.
Comment: This sequence change replaces glycine, which is neutral and non-polar, with alanine, which is neutral and non-polar, at codon 253 of the MSH3 protein (p.Gly253Ala). This variant is present in population databases (no rsID available, gnomAD no frequency). This variant has not been reported in the literature in individuals affected with MSH3-related conditions. ClinVar contains an entry for this variant (Variation ID: 662932). An algorithm developed to predict the effect of missense changes on protein structure and function (PolyPhen-2) suggests that this variant is likely to be disruptive. In summary, the available evidence is currently insufficient to determine the role of this variant in disease. Therefore, it has been classified as a Variant of Uncertain Significance.

PreventionGenetics, part of Exact Sciences
Classification: Uncertain significance for MSH3-related condition. Last evaluated: 2025-11-03. Review status: criteria provided, single submitter. Criteria: ACMG Guidelines, 2015. Collection method: clinical testing. Allele origin: germline.
Comment: The MSH3 c.758G>C variant is predicted to result in the amino acid substitution p.Gly253Ala. To our knowledge, this variant has not been reported in the literature. This variant is interpreted as uncertain in ClinVar (Variation ID: 662932) and is not present in gnomAD, indicating it is rare. At this time, the clinical significance of this variant is uncertain due to the absence of conclusive functional and genetic evidence.

Ambry Genetics
Classification: Uncertain significance for Hereditary cancer-predisposing syndrome. Last evaluated: 2024-10-28. Review status: criteria provided, single submitter. Criteria: Ambry Variant Classification Scheme 2023. Collection method: clinical testing. Allele origin: germline.
Comment: The p.G253A variant (also known as c.758G>C), located in coding exon 4 of the MSH3 gene, results from a G to C substitution at nucleotide position 758. The glycine at codon 253 is replaced by alanine, an amino acid with similar properties. This amino acid position is highly conserved in available vertebrate species. In addition, this alteration is predicted to be deleterious by in silico analysis. Since supporting evidence is limited at this time, the clinical significance of this alteration remains unclear.

Quest Diagnostics Nichols Institute San Juan Capistrano
Classification: Uncertain significance. Last evaluated: 2024-07-31. Review status: criteria provided, single submitter. Criteria: Quest Diagnostics criteria. Collection method: clinical testing. Allele origin: unknown.
Comment: The MSH3 c.758G>C (p.Gly253Ala) variant has not been reported in individuals with MSH3-related conditions in the published literature. The frequency of this variant in the general population, 0.000004 (1/251416 chromosomes (Genome Aggregation Database)), is uninformative in the assessment of its pathogenicity. Analysis of this variant using bioinformatics tools for the prediction of the effect of amino acid changes on protein structure and function yielded predictions that this variant is damaging. Based on the available information, we are unable to determine the clinical significance of this variant.

Baylor Genetics
Classification: Uncertain significance for Endometrial carcinoma. Last evaluated: 2023-09-05. Review status: criteria provided, single submitter. Criteria: ACMG Guidelines, 2015. Collection method: clinical testing. Allele origin: unknown.

NM_002439.5(MSH3):c.758G>C (p.Gly253Ala)

Gene: MSH3 (mutS homolog 3; plus strand). Cytogenetic location: 5q14.1.
Variant type: single nucleotide variant.
Coding change: c.758G>C on transcript NM_002439.5 (MANE Select); coding-DNA position 758, G replaced by C.
Protein change: p.Gly253Ala; replaces glycine 253 with alanine.
Molecular consequence: missense variant.
Genome position (GRCh38, 1-based): chr5:80,670,275, G>C. VCF-style: chr5-80670275-G-C. GRCh37 (hg19) VCF-style: chr5-79966094-G-C.
Other names: short protein forms G253A.
Identifiers: ClinVar variation 662932 (VCV000662932.17), dbSNP rs1434358007, ClinGen allele CA360266957.